The following is an entry in ClinVar:

NM_004104.5(FASN):c.2155G>A (p.Glu719Lys)

Gene: FASN (fatty acid synthase; minus strand). Cytogenetic location: 17q25.3.
Variant type: single nucleotide variant.
Coding change: c.2155G>A on transcript NM_004104.5 (MANE Select); coding-DNA position 2155, G replaced by A.
Protein change: p.Glu719Lys; replaces glutamic acid 719 with lysine.
Molecular consequence: missense variant.
Genome position (GRCh38, 1-based): chr17:82,089,118, C>T on the plus strand (G>A on the coding strand, the complement: FASN is on the minus strand). VCF-style: chr17-82089118-C-T. GRCh37 (hg19) VCF-style: chr17-80046994-C-T.
Other names: short protein forms E719K.
Identifiers: ClinVar variation 445457 (VCV000445457.37), dbSNP rs12946178, ClinGen allele CA8852882.

ClinVar aggregate classification (germline): Benign/Likely benign. Review status: criteria provided, multiple submitters, no conflicts (2 of 4 stars). 4 submissions from 4 submitters: Benign (1); Likely benign (3). Last evaluated 2026-02-02.

Conditions:
Epileptic encephalopathy. Identifiers: MedGen C0543888, HP:0200134.

Allele frequency attached by ClinVar (database versions not stated): 1000 Genomes Project 30x 0.00297; 1000 Genomes Project 0.00339; gnomAD 0.00544 and 0.00551; TOPMed 0.00559; gnomAD exomes 0.00579 and 0.00635; ESP Exome Variant Server 0.00592; ExAC 0.00835.
gnomAD v4.1: 9,802 of 1,567,442 alleles (0.63%); highest among the groups gnomAD compares: Non-Finnish European, 0.67%; 47 homozygotes.

Submissions (4):

Labcorp Genetics (formerly Invitae), Labcorp
Classification: Benign for Epileptic encephalopathy. Last evaluated: 2026-02-02. Review status: criteria provided, single submitter. Criteria: Invitae Variant Classification Sherloc (09022015). Collection method: clinical testing. Allele origin: germline.

CeGaT Center for Human Genetics Tuebingen
Classification: Likely benign. Last evaluated: 2025-12-01. Review status: criteria provided, single submitter. Criteria: CeGaT Center For Human Genetics Tuebingen Variant Classification Criteria Version 2. Collection method: clinical testing. Allele origin: germline. Affected: yes. Observed: 4 variant alleles.
Comment: FASN: BS2

Center for Pediatric Genomic Medicine, Children's Mercy Hospital and Clinics
Classification: Likely benign. Last evaluated: 2017-08-02. Review status: criteria provided, single submitter. Criteria: ACMG Guidelines, 2015. Collection method: clinical testing. Allele origin: germline.

Breakthrough Genomics
Classification: Likely benign. Review status: criteria provided, single submitter. Criteria: ACMG Guidelines, 2015. Collection method: not provided. Allele origin: germline. Inheritance: Unknown mechanism. Affected: yes.